The following is an entry in ClinVar:

ClinVar aggregate classification (germline): Likely benign (1 of 4 stars; one submission).

Allele frequency attached by ClinVar (database versions not stated): 1000 Genomes Project 30x 0.00187; 1000 Genomes Project 0.00200; TOPMed 0.00462; gnomAD 0.00485; ExAC 0.00542; ESP Exome Variant Server 0.00692; gnomAD exomes 0.00878.
gnomAD v4.1: 13,333 of 1,613,940 alleles (0.83%); highest among the groups gnomAD compares: Non-Finnish European, 1.1%; 84 homozygotes.

Submission:

CeGaT Center for Human Genetics Tuebingen
Classification: Likely benign. Last evaluated: 2023-02-01. Review status: criteria provided, single submitter. Criteria: CeGaT Center For Human Genetics Tuebingen Variant Classification Criteria Version 2. Collection method: clinical testing. Allele origin: germline. Affected: yes. Observed: 2 variant alleles.
Comment: AGFG1: BS2

NM_004504.5(AGFG1):c.416T>C (p.Val139Ala)

Gene: AGFG1 (ArfGAP with FG repeats 1; plus strand). Cytogenetic location: 2q36.3.
Variant type: single nucleotide variant.
Coding change: c.416T>C on transcript NM_004504.5 (MANE Select); coding-DNA position 416, T replaced by C.
Protein change: p.Val139Ala; replaces valine 139 with alanine.
Molecular consequence: missense variant.
Genome position (GRCh38, 1-based): chr2:227,523,801, T>C. VCF-style: chr2-227523801-T-C. GRCh37 (hg19) VCF-style: chr2-228388517-T-C.
Other names: c.416T>C, p.Val139Ala (NM_001135187.2, NM_001135188.2, NM_001135189.2); short protein forms V139A.
Identifiers: ClinVar variation 2651960 (VCV002651960.24), dbSNP rs61752216, ClinGen allele CA2148508.